The following is an entry in ClinVar:

ClinVar aggregate classification (germline): Uncertain significance (1 of 4 stars; one submission).

Conditions:
Hyperkalemic periodic paralysis. Also called: Familial hyperkalemic periodic paralysis; Gamstorp disease. Identifiers: Orphanet 682, MedGen C0238357, MONDO:0008224, OMIM 170500, HP:0007215.

Submission:

Labcorp Genetics (formerly Invitae), Labcorp
Classification: Uncertain significance for Hyperkalemic periodic paralysis. Last evaluated: 2024-03-16. Review status: criteria provided, single submitter. Criteria: Invitae Variant Classification Sherloc (09022015). Collection method: clinical testing. Allele origin: germline.
Comment: This sequence change replaces methionine, which is neutral and non-polar, with isoleucine, which is neutral and non-polar, at codon 1779 of the SCN4A protein (p.Met1779Ile). This variant is not present in population databases (gnomAD no frequency). This variant has not been reported in the literature in individuals affected with SCN4A-related conditions. Advanced modeling of protein sequence and biophysical properties (such as structural, functional, and spatial information, amino acid conservation, physicochemical variation, residue mobility, and thermodynamic stability) has been performed at Invitae for this missense variant, however the output from this modeling did not meet the statistical confidence thresholds required to predict the impact of this variant on SCN4A protein function. In summary, the available evidence is currently insufficient to determine the role of this variant in disease. Therefore, it has been classified as a Variant of Uncertain Significance.

NM_000334.4(SCN4A):c.5337G>A (p.Met1779Ile)

Genes: SCN4A (sodium voltage-gated channel alpha subunit 4; minus strand), GH-LCR (growth hormone locus control region; plus strand). Cytogenetic location: 17q23.3.
Variant type: single nucleotide variant.
Coding change: c.5337G>A on transcript NM_000334.4 (MANE Select); coding-DNA position 5337, G replaced by A.
Protein change: p.Met1779Ile; replaces methionine 1779 with isoleucine.
Molecular consequence: missense variant.
Genome position (GRCh38, 1-based): chr17:63,940,945, C>T on the plus strand (G>A on the coding strand, the complement: SCN4A is on the minus strand). VCF-style: chr17-63940945-C-T. GRCh37 (hg19) VCF-style: chr17-62018305-C-T.
Other names: short protein forms M1779I.
Identifiers: ClinVar variation 3635064 (VCV003635064.2).